The following is an entry in ClinVar:

ClinVar aggregate classification (germline): Likely benign (1 of 4 stars; one submission).

Allele frequency attached by ClinVar (database versions not stated): gnomAD exomes below 0.00001; ExAC 0.00001.
gnomAD v4.1: 5 of 1,598,202 alleles (0.00031%); highest among the groups gnomAD compares: Middle Eastern, 0.034%; 1 homozygote.

Submission:

CeGaT Center for Human Genetics Tuebingen
Classification: Likely benign. Last evaluated: 2022-12-01. Review status: criteria provided, single submitter. Criteria: CeGaT Center For Human Genetics Tuebingen Variant Classification Criteria Version 2. Collection method: clinical testing. Allele origin: germline. Affected: yes. Observed: 1 variant allele.
Comment: SYT10: BP4, BP7

NM_198992.4(SYT10):c.1368T>C (p.Asp456=)

Gene: SYT10 (synaptotagmin 10; minus strand). Cytogenetic location: 12p11.1.
Variant type: single nucleotide variant.
Coding change: c.1368T>C on transcript NM_198992.4 (MANE Select); coding-DNA position 1368, T replaced by C.
Protein change: p.Asp456=; no amino-acid change (aspartic acid 456 retained).
Molecular consequence: synonymous variant.
Genome position (GRCh38, 1-based): chr12:33,382,351, A>G on the plus strand (T>C on the coding strand, the complement: SYT10 is on the minus strand). VCF-style: chr12-33382351-A-G. GRCh37 (hg19) VCF-style: chr12-33535286-A-G.
Identifiers: ClinVar variation 2642844 (VCV002642844.24), dbSNP rs764585701, ClinGen allele CA6508396.
Genomic context (GRCh38, chr12:33,382,351, plus strand): 5'-TTTGGCCTGCGCATGACTAGACATGGCTGCTCTTCAGTGAGAAGAGAGATACACATACCT[A>G]TCGTAATCCATGACCGCAATGGAGAGGCTGACCTGGTCCACGTTCTCTGGAGGGATGTCA-3'
Protein context (NP_945343.1, residues 446-466): VSLSIAVMDY[Asp456=]RVGHNEVIGV